The following is an entry in ClinVar:

ClinVar aggregate classification (germline): Likely benign (0 of 4 stars; one submission).

Conditions:
MEI1-related disorder. Also called: MEI1-related condition.

Submission:

PreventionGenetics, part of Exact Sciences
Classification: Likely benign for MEI1-related condition. Last evaluated: 2019-09-17. Review status: no assertion criteria provided. Collection method: clinical testing. Allele origin: germline.
Comment: This variant is classified as likely benign based on ACMG/AMP sequence variant interpretation guidelines (Richards et al. 2015 PMID: 25741868, with internal and published modifications).

NM_152513.4(MEI1):c.864+9_864+13del

Gene: MEI1 (meiotic double-stranded break formation protein 1; plus strand). Cytogenetic location: 22q13.2.
Variant type: Deletion.
Coding change: c.864+9_864+13del on transcript NM_152513.4 (MANE Select); bases 9 to 13 of the intron after coding-DNA position 864, 5 bases deleted (CTTGT; older notation c.864+9_864+13delCTTGT).
Molecular consequence: intron variant.
Genome position (GRCh38, 1-based): chr22:41,724,082-41,724,086, CTTGT deleted; deleting any 5 consecutive bases within chr22:41,724,078-41,724,086 gives the same sequence; the c. name uses the placement nearest the transcript's 3' end. VCF-style (leftmost placement, unchanged base first): chr22-41724077-GTTGTC-G. GRCh37 (hg19) VCF-style: chr22-42120081-GTTGTC-G.
Identifiers: ClinVar variation 3040923 (VCV003040923.2), dbSNP rs755288514, ClinGen allele CA10259985.